The following is an entry in ClinVar:

ClinVar aggregate classification (germline): Pathogenic (1 of 4 stars; one submission).

Conditions:
Vici syndrome (VICIS). Identifiers: Orphanet 1493, MedGen C1855772, MONDO:0009452, OMIM 242840.

Submission:

Labcorp Genetics (formerly Invitae), Labcorp
Classification: Pathogenic for Vici syndrome. Last evaluated: 2023-10-04. Review status: criteria provided, single submitter. Criteria: Invitae Variant Classification Sherloc (09022015). Collection method: clinical testing. Allele origin: germline.
Comment: This sequence change creates a premature translational stop signal (p.Ser1083*) in the EPG5 gene. It is expected to result in an absent or disrupted protein product. Loss-of-function variants in EPG5 are known to be pathogenic (PMID: 23222957, 23674064). This variant is not present in population databases (gnomAD no frequency). This variant has not been reported in the literature in individuals affected with EPG5-related conditions. Algorithms developed to predict the effect of sequence changes on RNA splicing suggest that this variant may create or strengthen a splice site. For these reasons, this variant has been classified as Pathogenic.

Literature cited by the submitters: PubMed 23222957; PubMed 23674064.

NM_020964.3(EPG5):c.3248C>A (p.Ser1083Ter)

Gene: EPG5 (ectopic P-granules 5 autophagy tethering factor; minus strand). Cytogenetic location: 18q21.1.
Variant type: single nucleotide variant.
Coding change: c.3248C>A on transcript NM_020964.3 (MANE Select); coding-DNA position 3248, C replaced by A.
Protein change: p.Ser1083Ter; replaces serine 1083 with a stop codon.
Molecular consequence: nonsense.
Genome position (GRCh38, 1-based): chr18:45,916,574, G>T on the plus strand (C>A on the coding strand, the complement: EPG5 is on the minus strand). VCF-style: chr18-45916574-G-T. GRCh37 (hg19) VCF-style: chr18-43496539-G-T.
Other names: c.3248C>A, p.Ser1083Ter (NM_001410858.1, NM_001410859.1); short protein forms S1083*.
Identifiers: ClinVar variation 2764980 (VCV002764980.3), dbSNP rs78339727, ClinGen allele CA402343291.
Genomic context (GRCh38, chr18:45,916,574, plus strand): 5'-ACCTGTTGTGTGACACCCTGAGGGACACCGCTGTCCAAGTGTAGGAACAAGAGGAGATGC[G>T]ATAAAAACCTGCCAAGCACACAGGAGGACGCACTTTACCTTCCGATCAGAACTCAACAGA-3'